The following is an entry in ClinVar:

NM_000039.3(APOA1):c.261G>T (p.Gln87His)

Genes: APOA1-AS (APOA1 antisense RNA; plus strand), APOA1 (apolipoprotein A1; minus strand). Cytogenetic location: 11q23.3.
Variant type: single nucleotide variant.
Coding change: c.261G>T on transcript NM_000039.3 (MANE Select); coding-DNA position 261, G replaced by T.
Protein change: p.Gln87His; replaces glutamine 87 with histidine.
Molecular consequence: missense variant.
Genome position (GRCh38, 1-based): chr11:116,836,351, C>A on the plus strand (G>T on the coding strand, the complement: APOA1 is on the minus strand). VCF-style: chr11-116836351-C-A. GRCh37 (hg19) VCF-style: chr11-116707067-C-A.
Other names: c.261G>T, p.Gln87His (NM_001318017.2, NM_001318018.2, NM_001425090.1 and 1 more transcripts); c.-67G>T (NM_001318021.2, NM_001425091.1, NM_001425092.1); short protein forms Q87H.
Identifiers: ClinVar variation 2917009 (VCV002917009.4), dbSNP rs143796163, ClinGen allele CA6289837.
Genomic context (GRCh38, chr11:116,836,351, plus strand): 5'-CCTCAGGCCCTCTGTCTCCTTTTCCAGGTTATCCCAGAACTCCTGGGTCACAGGGCCGAG[C>A]TGTTCGCGCAGCTTGCTGAAGGTGGAGGTCACGCTGTCCCAGTTGTCAAGGAGCTTTAGG-3'
Protein context (NP_000030.1, residues 77-97): VTSTFSKLRE[Gln87His]LGPVTQEFWD

ClinVar aggregate classification (germline): Uncertain significance. Review status: criteria provided, multiple submitters, no conflicts (2 of 4 stars). 2 submissions from 2 submitters: Uncertain significance (2). Last evaluated 2024-06-02.

Conditions:
Cardiovascular phenotype. Identifiers: MedGen CN230736.

Allele frequency attached by ClinVar (database versions not stated): gnomAD exomes below 0.00001; TOPMed 0.00001; ExAC 0.00003; ESP Exome Variant Server 0.00008.
gnomAD v4.1: 5 of 1,614,154 alleles (0.00031%); highest among the groups gnomAD compares: African/African-American, 0.0067%; no homozygotes.

Submissions (2):

Labcorp Genetics (formerly Invitae), Labcorp
Classification: Uncertain significance. Last evaluated: 2024-06-02. Review status: criteria provided, single submitter. Criteria: Invitae Variant Classification Sherloc (09022015). Collection method: clinical testing. Allele origin: germline.
Comment: This sequence change replaces glutamine, which is neutral and polar, with histidine, which is basic and polar, at codon 87 of the APOA1 protein (p.Gln87His). This variant is present in population databases (rs143796163, gnomAD 0.03%). This variant has not been reported in the literature in individuals affected with APOA1-related conditions. Advanced modeling of protein sequence and biophysical properties (such as structural, functional, and spatial information, amino acid conservation, physicochemical variation, residue mobility, and thermodynamic stability) performed at Invitae indicates that this missense variant is not expected to disrupt APOA1 protein function with a negative predictive value of 80%. In summary, the available evidence is currently insufficient to determine the role of this variant in disease. Therefore, it has been classified as a Variant of Uncertain Significance.

Ambry Genetics
Classification: Uncertain significance for Cardiovascular phenotype. Last evaluated: 2023-10-27. Review status: criteria provided, single submitter. Criteria: Ambry Variant Classification Scheme 2023. Collection method: clinical testing. Allele origin: germline.
Comment: The p.Q87H variant (also known as c.261G>T), located in coding exon 3 of the APOA1 gene, results from a G to T substitution at nucleotide position 261. The glutamine at codon 87 is replaced by histidine, an amino acid with highly similar properties. This amino acid position is conserved. In addition, this alteration is predicted to be tolerated by in silico analysis. Since supporting evidence is limited at this time, the clinical significance of this alteration remains unclear.